The following is an entry in ClinVar:

NM_000088.4(COL1A1):c.3046-20CT[10]

Gene: COL1A1 (collagen type I alpha 1 chain; minus strand). Cytogenetic location: 17q21.33.
Variant type: Microsatellite.
Coding change: c.3046-20CT[10] on transcript NM_000088.4 (MANE Select); ten copies in a row of the 2-base unit CT starting at c.3046-20; the reference has eight copies in a row; two copies, 4 bases duplicated.
Molecular consequence: intron variant.
Genome position (GRCh38, 1-based): chr17:50,188,800-50,188,803, AGAG duplicated on the plus strand (CTCT on the coding strand, the reverse complement: COL1A1 is on the minus strand); duplicating any 4 consecutive bases within chr17:50,188,800-50,188,816 gives the same sequence; the position shown is the placement nearest the transcript's 3' end. VCF-style (leftmost placement, unchanged base first): chr17-50188799-C-CAGAG. GRCh37 (hg19) VCF-style: chr17-48266160-C-CAGAG.
Other names: p.?; c.3046-8_3046-5dupCTCT (NM_000088.3, NM_000088.4); c.3046-8_3046-5dup (NM_000088.3).
Identifiers: ClinVar variation 456763 (VCV000456763.38), dbSNP rs138425306, ClinGen allele CA202896.
Genomic context (GRCh38, chr17:50,188,799, plus strand): 5'-TACCTTGGCGCCAGGAGAACCGTCTCGTCCAGGGGAACCTTCGGCACCAGGAGCCCCCTG[C>CAGAG]AGAGAGAGAGAGAGAGAAGTGAGAGTCAGCCGGGGAAGAGGGCTTAGGCAAGGCCACAAT-3'

ClinVar aggregate classification (germline): Benign/Likely benign. Review status: criteria provided, multiple submitters, no conflicts (2 of 4 stars). 15 submissions from 14 submitters: Benign (7); Likely benign (5). 3 of the submissions do not count toward it. Last evaluated 2026-04-01.

Conditions:
Osteogenesis imperfecta type I (OI1). Also called: OI, TYPE I; OSTEOGENESIS IMPERFECTA TARDA; OSTEOGENESIS IMPERFECTA WITH BLUE SCLERAE; Osteogenesis imperfecta type 1; Classic Non-deforming Osteogenesis Imperfecta with Blue Sclerae; Lobstein's Disease. Identifiers: Orphanet 216796, Orphanet 666, MedGen C0023931, MONDO:0008146, OMIM 166200. Disease mechanism: loss of function.
COL1A1-related disorder. Also called: COL1A1-related condition; COL1A1- related disease.
Osteogenesis imperfecta (OI). Identifiers: Orphanet 666, MedGen C0029434, MeSH D010013, MONDO:0019019.
Ehlers-Danlos syndrome (EDS). Identifiers: Orphanet 98249, MedGen C0013720, MONDO:0020066.

Submissions (15):

Women's Health and Genetics/Laboratory Corporation of America, LabCorp
Classification: Benign. Last evaluated: 2026-04-01. Review status: criteria provided, single submitter. Criteria: LabCorp Variant Classification Summary - May 2015. Collection method: clinical testing. Allele origin: germline.
Comment: Variant summary: COL1A1 c.3046-8_3046-5dupCTCT alters a nucleotide located at a position not widely known to affect splicing. Consensus agreement among computation tools predict no significant impact on normal splicing. However, these predictions have yet to be confirmed by functional studies. The variant allele was found at a frequency of 0.0031 in 1539044 control chromosomes, predominantly at a frequency of 0.055 within the African or African-American subpopulation in the gnomAD database, including 57 homozygotes. The observed variant frequency within African or African-American control individuals in the gnomAD database exceeds the estimated maximal expected allele frequency for disease-causing variants in COL1A1. To our knowledge, no occurrence of c.3046-8_3046-5dupCTCT in individuals affected with COL1A1-related conditions and no experimental evidence demonstrating its impact on protein function have been reported. ClinVar contains an entry for this variant (Variation ID: 456763). Based on the evidence outlined above, the variant was classified as benign.

Labcorp Genetics (formerly Invitae), Labcorp
Classification: Likely benign for Osteogenesis imperfecta type I. Last evaluated: 2026-02-02. Review status: criteria provided, single submitter. Criteria: Invitae Variant Classification Sherloc (09022015). Collection method: clinical testing. Allele origin: germline.

Molecular Diagnostic Laboratory for Inherited Cardiovascular Disease, Montreal Heart Institute
Classification: Likely benign. Last evaluated: 2025-07-24. Review status: criteria provided, single submitter. Criteria: ACMG Guidelines, 2015. Collection method: clinical testing. Allele origin: germline. Affected: no.
Comment: BS1

Blueprint Genetics
Classification: Likely benign. Last evaluated: 2024-11-13. Review status: criteria provided, single submitter. Criteria: ACMG Guidelines, 2015. Collection method: clinical testing. Allele origin: germline.

Athena Diagnostics
Classification: Benign. Last evaluated: 2024-02-06. Review status: criteria provided, single submitter. Criteria: Athena Diagnostics Criteria. Collection method: clinical testing. Allele origin: unknown.

ARUP Laboratories, Molecular Genetics and Genomics, ARUP Laboratories
Classification: Benign. Last evaluated: 2023-09-22. Review status: criteria provided, single submitter. Criteria: ARUP Molecular Germline Variant Investigation Process 2024. Collection method: clinical testing. Allele origin: germline.

Genome Diagnostics Laboratory, The Hospital for Sick Children
Classification: Benign for Osteogenesis imperfecta. Last evaluated: 2022-02-11. Review status: criteria provided, single submitter. Criteria: ACMG Guidelines, 2015. Collection method: clinical testing. Allele origin: germline.

Genome Diagnostics Laboratory, The Hospital for Sick Children
Classification: Benign for Ehlers-Danlos syndrome. Last evaluated: 2021-04-12. Review status: criteria provided, single submitter. Criteria: ACMG Guidelines, 2015. Collection method: clinical testing. Allele origin: germline.

GeneDx
Classification: Benign. Last evaluated: 2019-08-21. Review status: criteria provided, single submitter. Criteria: GeneDx Variant Classification Process June 2021. Collection method: clinical testing. Allele origin: germline. Affected: yes.

Mayo Clinic Laboratories, Mayo Clinic
Classification: Benign. Last evaluated: 2019-08-01. Review status: criteria provided, single submitter. Criteria: ACMG Guidelines, 2015. Collection method: clinical testing. Allele origin: germline. Observed: 16 variant alleles.

Center for Pediatric Genomic Medicine, Children's Mercy Hospital and Clinics
Classification: Likely benign. Last evaluated: 2017-04-03. Review status: criteria provided, single submitter. Criteria: ACMG Guidelines, 2015. Collection method: clinical testing. Allele origin: germline.

Eurofins Ntd Llc (ga)
Classification: Likely benign. Last evaluated: 2015-03-10. Review status: criteria provided, single submitter. Criteria: EGL Classification Definitions. Collection method: clinical testing. Allele origin: germline. Observed: 1 variant allele, 1 heterozygote.

PreventionGenetics, part of Exact Sciences
Classification: Benign for COL1A1-related condition. Last evaluated: 2020-03-16. Review status: no assertion criteria provided. Collection method: clinical testing. Allele origin: germline. Not counted in ClinVar's aggregate classification.
Comment: This variant is classified as benign based on ACMG/AMP sequence variant interpretation guidelines (Richards et al. 2015 PMID: 25741868, with internal and published modifications).

Clinical Genetics DNA and cytogenetics Diagnostics Lab, Erasmus MC, Erasmus Medical Center
Classification: Benign. Review status: no assertion criteria provided. Collection method: clinical testing. Allele origin: germline. Affected: yes. Study: VKGL Data-share Consensus. Not counted in ClinVar's aggregate classification.

Genome Diagnostics Laboratory, Amsterdam University Medical Center
Classification: Benign. Review status: no assertion criteria provided. Collection method: clinical testing. Allele origin: germline. Affected: yes. Study: VKGL Data-share Consensus. Not counted in ClinVar's aggregate classification.